The following is an entry in ClinVar:

ClinVar aggregate classification (germline): Likely pathogenic. Review status: criteria provided, multiple submitters, no conflicts (2 of 4 stars). 3 submissions from 3 submitters: Likely pathogenic (3). Last evaluated 2024-09-18.

Conditions:
Familial adenomatous polyposis 4 (FAP4). Also called: MSH3-related attenuated familial adenomatous polyposis. Identifiers: Orphanet 480536, MedGen C4310719, MONDO:0044300, OMIM 617100.
Hereditary cancer-predisposing syndrome. Also called: Hereditary neoplastic syndrome; Neoplastic Syndromes, Hereditary; Tumor predisposition; Hereditary Cancer Syndrome. Identifiers: Orphanet 140162, MedGen C0027672, MeSH D009386, MONDO:0015356.

Allele frequency attached by ClinVar (database versions not stated): gnomAD 0.00001.
gnomAD v4.1: 1 of 1,613,982 alleles (0.000062%); highest among the groups gnomAD compares: African/African-American, 0.0013%; no homozygotes.

Submissions (3):

Ambry Genetics
Classification: Likely pathogenic for Hereditary cancer-predisposing syndrome. Last evaluated: 2024-09-18. Review status: criteria provided, single submitter. Criteria: Ambry Variant Classification Scheme 2023. Collection method: clinical testing. Allele origin: germline.
Comment: The c.238-2A>G intronic variant results from an A to G substitution two nucleotides upstream from coding exon 2 in the MSH3 gene. This nucleotide position is highly conserved in available vertebrate species. In silico splice site analysis predicts that this alteration will weaken the native splice acceptor site and will result in the creation or strengthening of a novel splice acceptor site. Alterations that disrupt the canonical splice site are expected to cause aberrant splicing, resulting in an abnormal protein or a transcript that is subject to nonsense-mediated mRNA decay. As such, this alteration is classified as likely pathogenic.

Labcorp Genetics (formerly Invitae), Labcorp
Classification: Likely pathogenic. Last evaluated: 2024-05-15. Review status: criteria provided, single submitter. Criteria: Invitae Variant Classification Sherloc (09022015). Collection method: clinical testing. Allele origin: germline.
Comment: This sequence change affects an acceptor splice site in intron 1 of the MSH3 gene. RNA analysis indicates that disruption of this splice site induces altered splicing and may result in an absent or disrupted protein product. This variant is not present in population databases (gnomAD no frequency). This variant has not been reported in the literature in individuals affected with MSH3-related conditions. ClinVar contains an entry for this variant (Variation ID: 948482). Studies have shown that disruption of this splice site results in activation of a cryptic splice site and introduces a premature termination codon (Invitae). The resulting mRNA is expected to undergo nonsense-mediated decay. In summary, the currently available evidence indicates that the variant is pathogenic, but additional data are needed to prove that conclusively. Therefore, this variant has been classified as Likely Pathogenic.

Myriad Genetics, Inc.
Classification: Likely pathogenic for Familial adenomatous polyposis 4. Last evaluated: 2023-08-29. Review status: criteria provided, single submitter. Criteria: Myriad Autosomal Dominant, Autosomal Recessive and X-Linked Classification Criteria (2023). Collection method: clinical testing. Allele origin: unknown.
Comment: This variant is considered likely pathogenic. This variant occurs within a consensus splice junction and is predicted to result in abnormal mRNA splicing of either an out-of-frame exon or an in-frame exon necessary for protein stability and/or normal function.

NM_002439.5(MSH3):c.238-2A>G

Gene: MSH3 (mutS homolog 3; plus strand). Cytogenetic location: 5q14.1.
Variant type: single nucleotide variant.
Coding change: c.238-2A>G on transcript NM_002439.5 (MANE Select); the canonical splice acceptor site of the intron before coding-DNA position 238, A replaced by G.
Molecular consequence: splice acceptor variant.
Genome position (GRCh38, 1-based): chr5:80,656,409, A>G. VCF-style: chr5-80656409-A-G. GRCh37 (hg19) VCF-style: chr5-79952228-A-G.
Identifiers: ClinVar variation 948482 (VCV000948482.11), dbSNP rs1749285874, ClinGen allele CA360266078.
Genomic context (GRCh38, chr5:80,656,409, plus strand): 5'-CACATACGTCAGGCCTTCTCAGAGTAGAGATAACACATCATTTTCTAACCTTCCCGATAT[A>G]GGCTACAGAAATTGACAGAAGAAAGAAGAGACCATTGGAAAATGATGGGCCTGTTAAAAA-3'